The following is an entry in ClinVar:

NC_000001.10:g.(?_156836682)_(156841567_?)del

Gene: NTRK1 (neurotrophic receptor tyrosine kinase 1; plus strand). Cytogenetic location: 1q23.1.
Variant type: Deletion.
Identifiers: ClinVar variation 3247639 (VCV003247639.1).

ClinVar aggregate classification (germline): Pathogenic (1 of 4 stars; one submission).

Conditions:
Hereditary insensitivity to pain with anhidrosis (CIPA). Also called: INSENSITIVITY TO PAIN, CONGENITAL, WITH ANHIDROSIS; HSAN Type IV; FAMILIAL DYSAUTONOMIA, TYPE II; NEUROPATHY, CONGENITAL SENSORY, WITH ANHIDROSIS; NTRK1 Congenital Insensitivity to Pain with Anhidrosis; hereditary sensory and autonomic neuropathy type 4. Identifiers: Orphanet 642, MedGen C0020074, MONDO:0009746, OMIM 256800.

Submission:

Labcorp Genetics (formerly Invitae), Labcorp
Classification: Pathogenic for Hereditary insensitivity to pain with anhidrosis. Last evaluated: 2023-04-06. Review status: criteria provided, single submitter. Criteria: Invitae Variant Classification Sherloc (09022015). Collection method: clinical testing. Allele origin: unknown.
Comment: For these reasons, this variant has been classified as Pathogenic. This variant has not been reported in the literature in individuals affected with NTRK1-related conditions. This variant is a gross deletion of the genomic region encompassing exon(s) 4-7 of the NTRK1 gene. This deletion is out-of-frame, and is expected to create a premature termination codon and result in an absent or disrupted protein product. Loss-of-function variants in NTRK1 are known to be pathogenic (PMID: 10982191).

Literature cited by the submitters: PubMed 10982191.